The following is an entry in ClinVar:

ClinVar aggregate classification (germline): Likely benign. Review status: reviewed by expert panel (3 of 4 stars). 8 submissions from 8 submitters: Likely benign (1). 7 of the submissions do not count toward it. Last evaluated 2017-06-29.

Conditions:
BRCA2-related disorder. Also called: BRCA2-related condition; BRCA2-related disorders. Identifiers: MedGen CN239275.
Hereditary cancer-predisposing syndrome. Also called: Tumor predisposition; Hereditary Cancer Syndrome; Hereditary neoplastic syndrome; Neoplastic Syndromes, Hereditary. Identifiers: Orphanet 140162, MedGen C0027672, MeSH D009386, MONDO:0015356.
Hereditary breast ovarian cancer syndrome. Also called: Breast and ovarian cancer; Hereditary breast and ovarian cancer syndrome; Hereditary breast and ovarian cancer; BRCA1- and BRCA2-Associated Hereditary Breast and Ovarian Cancer; Hereditary breast and ovarian cancer syndrome (HBOC); Hereditary breast and/or ovarian cancer syndrome. Identifiers: Orphanet 145, MedGen C0677776, MeSH D061325, MONDO:0003582. Disease mechanism: loss of function.
Breast-ovarian cancer, familial, susceptibility to, 2 (BROVCA2). Also called: BRCA2 Hereditary Breast and Ovarian Cancer. Identifiers: Orphanet 145, MedGen C2675520, MONDO:0012933, OMIM 612555. Disease mechanism: loss of function.

Allele frequency attached by ClinVar (database versions not stated): gnomAD exomes 0.00001; gnomAD 0.00006 and 0.00007; TOPMed 0.00006.
gnomAD v4.1: 20 of 1,613,872 alleles (0.0012%); highest among the groups gnomAD compares: African/African-American, 0.013%; no homozygotes.

Submissions (8):

Evidence-based Network for the Interpretation of Germline Mutant Alleles (ENIGMA)
Classification: Likely benign for Breast-ovarian cancer, familial, susceptibility to, 2. Last evaluated: 2017-06-29. Review status: reviewed by expert panel. Criteria: ENIGMA BRCA1/2 Classification Criteria (2017-06-29). Collection method: curation. Allele origin: germline.
Comment: Synonymous substitution variant, with low bioinformatic likelihood to result in a splicing aberration (Splicing prior probability 0.02).

Labcorp Genetics (formerly Invitae), Labcorp
Classification: Likely benign for Hereditary breast ovarian cancer syndrome. Last evaluated: 2026-02-02. Review status: criteria provided, single submitter. Criteria: Invitae Variant Classification Sherloc (09022015). Collection method: clinical testing. Allele origin: germline. Not counted in ClinVar's aggregate classification.

GeneDx
Classification: Likely benign. Last evaluated: 2021-03-01. Review status: criteria provided, single submitter. Criteria: GeneDx Variant Classification Process June 2021. Collection method: clinical testing. Allele origin: germline. Affected: yes. Not counted in ClinVar's aggregate classification.

Quest Diagnostics Nichols Institute San Juan Capistrano
Classification: Likely benign. Last evaluated: 2021-01-21. Review status: criteria provided, single submitter. Criteria: Quest Diagnostics criteria. Collection method: clinical testing. Allele origin: unknown. Not counted in ClinVar's aggregate classification.

Women's Health and Genetics/Laboratory Corporation of America, LabCorp
Classification: Likely benign. Last evaluated: 2019-08-21. Review status: criteria provided, single submitter. Criteria: LabCorp Variant Classification Summary - May 2015. Collection method: clinical testing. Allele origin: germline. Not counted in ClinVar's aggregate classification.

Color Diagnostics, LLC DBA Color Health
Classification: Likely benign for Hereditary cancer-predisposing syndrome. Last evaluated: 2018-09-27. Review status: criteria provided, single submitter. Criteria: ACMG Guidelines, 2015. Collection method: clinical testing. Allele origin: germline. Not counted in ClinVar's aggregate classification.

Ambry Genetics
Classification: Likely benign for Hereditary cancer-predisposing syndrome. Last evaluated: 2016-04-27. Review status: criteria provided, single submitter. Criteria: Ambry Variant Classification Scheme 2023. Collection method: clinical testing. Allele origin: germline. Not counted in ClinVar's aggregate classification.

PreventionGenetics, part of Exact Sciences
Classification: Likely benign for BRCA2-related condition. Last evaluated: 2020-05-07. Review status: no assertion criteria provided. Collection method: clinical testing. Allele origin: germline. Not counted in ClinVar's aggregate classification.
Comment: This variant is classified as likely benign based on ACMG/AMP sequence variant interpretation guidelines (Richards et al. 2015 PMID: 25741868, with internal and published modifications).

NM_000059.4(BRCA2):c.4791T>C (p.Ser1597=)

Gene: BRCA2 (BRCA2 DNA repair associated; plus strand). Cytogenetic location: 13q13.1.
Variant type: single nucleotide variant.
Coding change: c.4791T>C on transcript NM_000059.4 (MANE Select); coding-DNA position 4791, T replaced by C.
Protein change: p.Ser1597=; no amino-acid change (serine 1597 retained).
Molecular consequence: synonymous variant.
Genome position (GRCh38, 1-based): chr13:32,339,146, T>C. VCF-style: chr13-32339146-T-C. GRCh37 (hg19) VCF-style: chr13-32913283-T-C.
Identifiers: ClinVar variation 184842 (VCV000184842.26), dbSNP rs786201728, ClinGen allele CA020836.